The following is an entry in ClinVar:

ClinVar aggregate classification (germline): Pathogenic/Likely pathogenic. Review status: criteria provided, multiple submitters, no conflicts (2 of 4 stars). 4 submissions from 4 submitters: Pathogenic (1); Likely pathogenic (3). Last evaluated 2026-03-10.

Conditions:
Bardet-Biedl syndrome 2 (BBS2). Identifiers: Orphanet 110, MedGen C2936863, MONDO:0014432, OMIM 615981.
BBS2-related disorder. Also called: BBS2-related disorders; BBS2-related condition. Identifiers: MedGen CN239228.
Bardet-Biedl syndrome (BBS). Identifiers: Orphanet 110, MedGen C0752166, MONDO:0015229.

Submissions (4):

PreventionGenetics, part of Exact Sciences
Classification: Likely pathogenic for BBS2-related condition. Last evaluated: 2026-03-10. Review status: criteria provided, single submitter. Criteria: ACMG Guidelines, 2015. Collection method: clinical testing. Allele origin: germline.
Comment: The BBS2 c.440delT variant is predicted to result in a frameshift and premature protein termination (p.Phe147Serfs*54). To our knowledge, this variant has not been reported in the literature. This variant is reported in 0.0023% of alleles in individuals of European (Non-Finnish) descent in gnomAD. Frameshift variants in BBS2 are expected to be pathogenic. This variant is interpreted as likely pathogenic.

Natera, Inc.
Classification: Likely pathogenic for Bardet-Biedl syndrome type 2. Last evaluated: 2026-01-04. Review status: criteria provided, single submitter. Criteria: Natera Variant Classification Schema (03/2026). Collection method: clinical testing. Allele origin: germline.
Comment: The c.440delT variant in BBS2 is a frameshift variant predicted to shift the reading frame beginning at codon 147 and leads to a stop codon 54 codons downstream. This variant is expected to result in nonsense mediated decay, truncation, or a dysfunctional protein product. This variant is rare in the general population with a frequency below the threshold expected for the associated phenotype(s). Given the available evidence, this variant is classified as Likely Pathogenic.

Labcorp Genetics (formerly Invitae), Labcorp
Classification: Pathogenic for Bardet-Biedl syndrome. Last evaluated: 2025-10-21. Review status: criteria provided, single submitter. Criteria: Invitae Variant Classification Sherloc (09022015). Collection method: clinical testing. Allele origin: germline.
Comment: This sequence change creates a premature translational stop signal (p.Phe147Serfs*54) in the BBS2 gene. It is expected to result in an absent or disrupted protein product. Loss-of-function variants in BBS2 are known to be pathogenic (PMID: 11285252, 20177705, 24608809, 26518167). This variant is present in population databases (no rsID available, gnomAD 0.002%). This variant has not been reported in the literature in individuals affected with BBS2-related conditions. ClinVar contains an entry for this variant (Variation ID: 939414). For these reasons, this variant has been classified as Pathogenic.

Baylor Genetics
Classification: Likely pathogenic for Bardet-Biedl syndrome 2. Last evaluated: 2023-08-03. Review status: criteria provided, single submitter. Criteria: ACMG Guidelines, 2015. Collection method: clinical testing. Allele origin: unknown.

Literature cited by the submitters: PubMed 11285252 (cited by Labcorp Genetics (formerly Invitae), Labcorp); PubMed 20177705 (cited by Labcorp Genetics (formerly Invitae), Labcorp); PubMed 24608809 (cited by Labcorp Genetics (formerly Invitae), Labcorp); PubMed 26518167 (cited by Labcorp Genetics (formerly Invitae), Labcorp).

NM_031885.5(BBS2):c.440del (p.Phe147fs)

Gene: BBS2 (Bardet-Biedl syndrome 2; minus strand). Cytogenetic location: 16q13.
Variant type: Deletion.
Coding change: c.440del on transcript NM_031885.5 (MANE Select); coding-DNA position 440, one base deleted (T; older notation c.440delT).
Protein change: p.Phe147fs; shifts the reading frame from phenylalanine 147.
Molecular consequence: frameshift variant. On other transcripts: non-coding transcript variant (5).
Genome position (GRCh38, 1-based): chr16:56,511,190, A deleted on the plus strand (T on the coding strand, the reverse complement: BBS2 is on the minus strand); the first of 3 consecutive A bases (chr16:56,511,190-56,511,192); deleting any one gives the same sequence. VCF-style (leftmost placement, unchanged base first): chr16-56511189-GA-G. GRCh37 (hg19) VCF-style: chr16-56545101-GA-G.
Other names: c.440delT (NM_031885.3); c.440del, p.Phe147fs (NM_001377456.1); short protein forms F147fs.
Identifiers: ClinVar variation 939414 (VCV000939414.11), dbSNP rs1433422530, ClinGen allele CA622312121.